The following is an entry in ClinVar:

NM_138477.4(CDAN1):c.169del (p.Phe56_Leu57insTer)

Gene: CDAN1 (codanin 1; minus strand). Cytogenetic location: 15q15.2.
Variant type: Deletion.
Coding change: c.169del on transcript NM_138477.4 (MANE Select); coding-DNA position 169, one base deleted (C; older notation c.169delC).
Protein change: p.Phe56_Leu57insTer.
Molecular consequence: nonsense.
Genome position (GRCh38, 1-based): chr15:42,736,702, G deleted on the plus strand (C on the coding strand, the reverse complement: CDAN1 is on the minus strand); the first of 2 consecutive G bases (chr15:42,736,702-42,736,703); deleting either gives the same sequence. VCF-style (leftmost placement, unchanged base first): chr15-42736701-AG-A. GRCh37 (hg19) VCF-style: chr15-43028899-AG-A.
Identifiers: ClinVar variation 2920943 (VCV002920943.1), dbSNP rs1383200463, ClinGen allele CA618002379.
Genomic context (GRCh38, chr15:42,736,701, plus strand): 5'-CCCGGGGTCTTGGCGGGGGTCGGGGGCCCCTGCGGGAGGACGCGGCTGCTCTGCTCCCTC[AG>A]GAAGTTCAACAGGAACGGTACGAATTCTTTCCGCAGGGCCCGGAGTGAGCTCAGCGCGGC-3'

ClinVar aggregate classification (germline): Pathogenic (1 of 4 stars; one submission).

Conditions:
Anemia, congenital dyserythropoietic, type 1a (CDAN1A). Also called: DYSERYTHROPOIETIC ANEMIA, CONGENITAL, TYPE Ia; CDAN1-Related Congenital Dyserythropoietic Anemia. Identifiers: MedGen C5574667, MONDO:0009135, OMIM 224120.

Submission:

ARUP Laboratories, Molecular Genetics and Genomics, ARUP Laboratories
Classification: Pathogenic for Anemia, congenital dyserythropoietic, type 1a. Last evaluated: 2023-06-28. Review status: criteria provided, single submitter. Criteria: ARUP Molecular Germline Variant Investigation Process 2024. Collection method: clinical testing. Allele origin: germline.
Comment: The CDAN1 c.169del; p.Leu57Ter variant (rs1383200463), to our knowledge, is not reported in the medical literature or gene specific databases. This variant is only observed on one allele in the Genome Aggregation Database, indicating it is not a common polymorphism. This variant causes a frameshift by deleting a single nucleotide, so it is predicted to result in a truncated protein or mRNA subject to nonsense-mediated decay. Based on available information, this variant is considered to be pathogenic.